The following is an entry in ClinVar:

ClinVar aggregate classification (germline): Benign/Likely benign. Review status: criteria provided, multiple submitters, no conflicts (2 of 4 stars). 7 submissions from 7 submitters: Benign (5); Likely benign (1). 1 of the submissions does not count toward it. Last evaluated 2026-06-01.

Conditions:
Vanishing white matter disease. Also called: Childhood ataxia with diffuse central nervous system hypomyelination; Leukoencephalopathy with vanishing white matter; CACH/VWM syndrome; Cree leukoencehalopathy; CACH syndrome. Identifiers: Orphanet 135, Orphanet 99853, MedGen C1858991, MONDO:0800448.
EIF2B4-related disorder. Also called: EIF2B4-related condition.

Allele frequency attached by ClinVar (database versions not stated): gnomAD exomes 0.00047 and 0.00109; ExAC 0.00277; gnomAD 0.00389 and 0.00423; 1000 Genomes Project 0.00419; 1000 Genomes Project 30x 0.00422; TOPMed 0.00436; ESP Exome Variant Server 0.00469.
gnomAD v4.1: 1,321 of 1,548,040 alleles (0.085%); highest among the groups gnomAD compares: African/African-American, 1.5%; 14 homozygotes.

Submissions (7):

CeGaT Center for Human Genetics Tuebingen
Classification: Benign. Last evaluated: 2026-06-01. Review status: criteria provided, single submitter. Criteria: CeGaT Center For Human Genetics Tuebingen Variant Classification Criteria Version 2. Collection method: clinical testing. Allele origin: germline. Affected: yes. Observed: 7 variant alleles.
Comment: EIF2B4: BP4, BP7, BS1, BS2

Labcorp Genetics (formerly Invitae), Labcorp
Classification: Benign. Last evaluated: 2026-01-28. Review status: criteria provided, single submitter. Criteria: Invitae Variant Classification Sherloc (09022015). Collection method: clinical testing. Allele origin: germline.

Blueprint Genetics
Classification: Likely benign. Last evaluated: 2024-11-20. Review status: criteria provided, single submitter. Criteria: ACMG Guidelines, 2015. Collection method: clinical testing. Allele origin: germline.

Mayo Clinic Laboratories, Mayo Clinic
Classification: Benign. Last evaluated: 2024-07-24. Review status: criteria provided, single submitter. Criteria: ACMG Guidelines, 2015. Collection method: clinical testing. Allele origin: germline. Observed: 3 variant alleles.
Comment: BA1, BS2, BP4, BP7

Illumina Laboratory Services, Illumina
Classification: Benign for Leukoencephalopathy with vanishing white matter 1. Last evaluated: 2018-01-12. Review status: criteria provided, single submitter. Criteria: ICSL Variant Classification Criteria 13 December 2019. Collection method: clinical testing. Allele origin: germline.
Comment: This variant was observed in the ICSL laboratory as part of a predisposition screen in an ostensibly healthy population. It had not been previously curated by ICSL or reported in the Human Gene Mutation Database (HGMD: prior to June 1st, 2018), and was therefore a candidate for classification through an automated scoring system. Utilizing variant allele frequency, disease prevalence and penetrance estimates, and inheritance mode, an automated score was calculated to assess if this variant is too frequent to cause the disease. Based on the score and internal cut-off values, a variant classified as benign is not then subjected to further curation. The score for this variant resulted in a classification of benign for this disease.

Breakthrough Genomics
Classification: Benign. Review status: criteria provided, single submitter. Criteria: ACMG Guidelines, 2015. Collection method: not provided. Allele origin: germline. Inheritance: Autosomal recessive inheritance. Affected: yes.

PreventionGenetics, part of Exact Sciences
Classification: Benign for EIF2B4-related condition. Last evaluated: 2019-07-24. Review status: no assertion criteria provided. Collection method: clinical testing. Allele origin: germline. Not counted in ClinVar's aggregate classification.
Comment: This variant is classified as benign based on ACMG/AMP sequence variant interpretation guidelines (Richards et al. 2015 PMID: 25741868, with internal and published modifications).

NM_001034116.2(EIF2B4):c.27C>T (p.Arg9=)

Gene: EIF2B4 (eukaryotic translation initiation factor 2B subunit delta; minus strand). Cytogenetic location: 2p23.3.
Variant type: single nucleotide variant.
Coding change: c.27C>T on transcript NM_001034116.2 (MANE Select); coding-DNA position 27, C replaced by T.
Protein change: p.Arg9=; no amino-acid change (arginine 9 retained).
Molecular consequence: synonymous variant. On other transcripts: 5 prime UTR variant (3).
Genome position (GRCh38, 1-based): chr2:27,370,288, G>A on the plus strand (C>T on the coding strand, the complement: EIF2B4 is on the minus strand). VCF-style: chr2-27370288-G-A. GRCh37 (hg19) VCF-style: chr2-27593155-G-A.
Other names: p.Arg9=; c.27C>T (NM_001034116.1); c.-197C>T (NM_001318966.2); c.-60C>T (NM_001318967.2); c.-566C>T (NM_001318969.2); c.27C>T, p.Arg9= (NM_015636.4).
Identifiers: ClinVar variation 720908 (VCV000720908.37), dbSNP rs113310794, ClinGen allele CA1577072.
Genomic context (GRCh38, chr2:27,370,288, plus strand): 5'-CTGTCCGGAGCTCGTCGGCTCCGCGTACCAGTAGGCAGGCCCGGCTCTTCACTCACCCTC[G>A]CGAACAGCCACGGCCACAGCAGCCATCGCCCTCAGTCCTAGGCTCCGCCCGCCGTGGTCA-3'
Protein context (NP_001029288.1, residues 1-19): MAAVAVAV[Arg9=]EDSGSGMKAE